The following is an entry in ClinVar:

ClinVar aggregate classification (germline): Likely benign. Review status: criteria provided, multiple submitters, no conflicts (2 of 4 stars). 3 submissions from 3 submitters: Likely benign (3). Last evaluated 2025-10-14.

Conditions:
RYR1-related disorder. Also called: RYR1-related condition; RYR1-related disorders. Identifiers: MedGen CN239331.
Malignant hyperthermia, susceptibility to, 1 (MHS1). Also called: Anesthesia related hyperthermia; Malignant hyperpyrexia; Fulminating hyperpyrexia; Pharmacogenic myopathy; Malignant hyperthermia suceptibility 1; RYR1-Related Malignant Hyperthermia Susceptibility. Identifiers: Orphanet 423, MedGen C2930980, MONDO:0007783, OMIM 145600.

Allele frequency attached by ClinVar (database versions not stated): TOPMed 0.00001; gnomAD 0.00002; gnomAD exomes 0.00002.
gnomAD v4.1: 119 of 1,613,328 alleles (0.0074%); highest among the groups gnomAD compares: Middle Eastern, 0.016%; no homozygotes.

Submissions (3):

Labcorp Genetics (formerly Invitae), Labcorp
Classification: Likely benign for RYR1-related disorder. Last evaluated: 2025-10-14. Review status: criteria provided, single submitter. Criteria: Invitae Variant Classification Sherloc (09022015). Collection method: clinical testing. Allele origin: germline.

All of Us Research Program, National Institutes of Health
Classification: Likely benign for Malignant hyperthermia, susceptibility to, 1. Last evaluated: 2023-11-20. Review status: criteria provided, single submitter. Criteria: ACMG Guidelines, 2015. Collection method: clinical testing. Allele origin: germline. Inheritance: Autosomal dominant inheritance. Observed: 5 variant alleles, 5 heterozygotes.
Comment: This study involves interpretation of variants in research participants for the purpose of population health screening. Participant phenotype was not available at the time of variant classification. Additional details can be found in publication PMID: 35346344, PMCID: PMC8962531

Color Diagnostics, LLC DBA Color Health
Classification: Likely benign for Malignant hyperthermia, susceptibility to, 1. Last evaluated: 2022-11-06. Review status: criteria provided, single submitter. Criteria: ACMG Guidelines, 2015. Collection method: clinical testing. Allele origin: germline.

NM_000540.3(RYR1):c.252G>A (p.Thr84=)

Gene: RYR1 (ryanodine receptor 1; plus strand). Cytogenetic location: 19q13.2.
Variant type: single nucleotide variant.
Coding change: c.252G>A on transcript NM_000540.3 (MANE Select); coding-DNA position 252, G replaced by A.
Protein change: p.Thr84=; no amino-acid change (threonine 84 retained).
Molecular consequence: synonymous variant.
Genome position (GRCh38, 1-based): chr19:38,442,435, G>A. VCF-style: chr19-38442435-G-A. GRCh37 (hg19) VCF-style: chr19-38933075-G-A.
Other names: c.252G>A, p.Thr84= (NM_001042723.2).
Identifiers: ClinVar variation 1123858 (VCV001123858.10), dbSNP rs755823812, ClinGen allele CA308110180.